The following is an entry in ClinVar:

NM_145059.3(FCSK):c.374G>A (p.Cys125Tyr)

Gene: FCSK (fucose kinase; plus strand). Cytogenetic location: 16q22.1.
Variant type: single nucleotide variant.
Coding change: c.374G>A on transcript NM_145059.3 (MANE Select); coding-DNA position 374, G replaced by A.
Protein change: p.Cys125Tyr; replaces cysteine 125 with tyrosine.
Molecular consequence: missense variant.
Genome position (GRCh38, 1-based): chr16:70,466,220, G>A. VCF-style: chr16-70466220-G-A. GRCh37 (hg19) VCF-style: chr16-70500123-G-A.
Other names: c.374G>A (NM_145059.2); short protein forms C125Y.
Identifiers: ClinVar variation 1907323 (VCV001907323.7), dbSNP rs374611522, ClinGen allele CA8142863.

ClinVar aggregate classification (germline): Uncertain significance. Review status: criteria provided, multiple submitters, no conflicts (2 of 4 stars). 2 submissions from 2 submitters: Uncertain significance (2). Last evaluated 2023-06-29.

Allele frequency attached by ClinVar (database versions not stated): ExAC 0.00003; gnomAD 0.00003; TOPMed 0.00003; gnomAD exomes 0.00006; ESP Exome Variant Server 0.00008.
gnomAD v4.1: 91 of 1,613,806 alleles (0.0056%); highest among the groups gnomAD compares: Non-Finnish European, 0.0073%; no homozygotes.

Submissions (2):

Labcorp Genetics (formerly Invitae), Labcorp
Classification: Uncertain significance. Last evaluated: 2023-06-29. Review status: criteria provided, single submitter. Criteria: Invitae Variant Classification Sherloc (09022015). Collection method: clinical testing. Allele origin: germline.
Comment: This sequence change replaces cysteine, which is neutral and slightly polar, with tyrosine, which is neutral and polar, at codon 125 of the FUK protein (p.Cys125Tyr). This variant is present in population databases (rs374611522, gnomAD 0.007%). This variant has not been reported in the literature in individuals affected with FUK-related conditions. ClinVar contains an entry for this variant (Variation ID: 1907323). Algorithms developed to predict the effect of missense changes on protein structure and function output the following: SIFT: "Not Available"; PolyPhen-2: "Benign"; Align-GVGD: "Not Available". The tyrosine amino acid residue is found in multiple mammalian species, which suggests that this missense change does not adversely affect protein function. In summary, the available evidence is currently insufficient to determine the role of this variant in disease. Therefore, it has been classified as a Variant of Uncertain Significance.

Ambry Genetics
Classification: Uncertain significance. Last evaluated: 2023-04-25. Review status: criteria provided, single submitter. Criteria: Ambry Variant Classification Scheme 2023. Collection method: clinical testing. Allele origin: germline.